The following is an entry in ClinVar:

ClinVar aggregate classification (germline): Benign/Likely benign. Review status: criteria provided, multiple submitters, no conflicts (2 of 4 stars). 5 submissions from 5 submitters: Benign (1); Likely benign (2). 2 of the submissions do not count toward it. Last evaluated 2026-04-05.

Conditions:
PKD1-related disorder. Also called: PKD1-related condition.
Polycystic kidney disease, adult type (PKD1). Also called: POLYCYSTIC KIDNEY DISEASE, ADULT, TYPE I; Polycystic Kidney Disease 1, Autosomal Dominant; Polycystic kidney disease 1; Polycystic kidney disease 1, severe; Polycystic Kidney, Autosomal Dominant; POLYCYSTIC KIDNEY DISEASE 1 WITH OR WITHOUT POLYCYSTIC LIVER DISEASE. Identifiers: MedGen C3149841, MONDO:0008263, OMIM 173900.

Allele frequency attached by ClinVar (database versions not stated): TOPMed 0.00006; gnomAD 0.00007 and 0.00019; gnomAD exomes 0.00039 and 0.00089; 1000 Genomes Project 30x 0.00078; 1000 Genomes Project 0.00080; ExAC 0.00096.
gnomAD v4.1: 590 of 1,598,490 alleles (0.037%); highest among the groups gnomAD compares: South Asian, 0.54%; 3 homozygotes.

Submissions (5):

PreventionGenetics, part of Exact Sciences
Classification: Likely benign for PKD1-related condition. Last evaluated: 2026-04-05. Review status: criteria provided, single submitter. Criteria: ACMG Guidelines, 2015. Collection method: clinical testing. Allele origin: germline.
Comment: This variant is classified as likely benign based on ACMG/AMP sequence variant interpretation guidelines (Richards et al. 2015 PMID: 25741868, with internal and published modifications).

Blueprint Genetics
Classification: Likely benign. Last evaluated: 2024-11-06. Review status: criteria provided, single submitter. Criteria: ACMG Guidelines, 2015. Collection method: clinical testing. Allele origin: germline.

Department of Pathology and Laboratory Medicine, Sinai Health System
Classification: Benign for Polycystic kidney disease, adult type. Last evaluated: 2021-03-11. Review status: criteria provided, single submitter. Criteria: ACMG Guidelines, 2015. Collection method: clinical testing. Allele origin: germline. Affected: yes.

Clinical Genetics DNA and cytogenetics Diagnostics Lab, Erasmus MC, Erasmus Medical Center
Classification: Likely benign. Review status: no assertion criteria provided. Collection method: clinical testing. Allele origin: germline. Affected: yes. Study: VKGL Data-share Consensus. Not counted in ClinVar's aggregate classification.

Genome Diagnostics Laboratory, University Medical Center Utrecht
Classification: Benign. Review status: no assertion criteria provided. Collection method: clinical testing. Allele origin: germline. Affected: yes. Study: VKGL Data-share Consensus. Not counted in ClinVar's aggregate classification.

NM_001009944.3(PKD1):c.5772C>T (p.Gly1924=)

Gene: PKD1 (polycystin 1, transient receptor potential channel interacting; minus strand). Cytogenetic location: 16p13.3.
Variant type: single nucleotide variant.
Coding change: c.5772C>T on transcript NM_001009944.3 (MANE Select); coding-DNA position 5772, C replaced by T.
Protein change: p.Gly1924=; no amino-acid change (glycine 1924 retained).
Molecular consequence: synonymous variant.
Genome position (GRCh38, 1-based): chr16:2,109,395, G>A on the plus strand (C>T on the coding strand, the complement: PKD1 is on the minus strand). VCF-style: chr16-2109395-G-A. GRCh37 (hg19) VCF-style: chr16-2159396-G-A.
Other names: c.5772C>T (NM_001009944.2); c.5772C>T, p.Gly1924= (NM_000296.4).
Identifiers: ClinVar variation 1328032 (VCV001328032.5), dbSNP rs541661201, ClinGen allele CA7831864.